The following is an entry in ClinVar:

NM_177438.3(DICER1):c.545T>G (p.Leu182Arg)

Gene: DICER1 (dicer 1, ribonuclease III; minus strand). Cytogenetic location: 14q32.13.
Variant type: single nucleotide variant.
Coding change: c.545T>G on transcript NM_177438.3 (MANE Select); coding-DNA position 545, T replaced by G.
Protein change: p.Leu182Arg; replaces leucine 182 with arginine.
Molecular consequence: missense variant. On other transcripts: non-coding transcript variant (6), intron variant (1), 5 prime UTR variant (1).
Genome position (GRCh38, 1-based): chr14:95,130,086, A>C on the plus strand (T>G on the coding strand, the complement: DICER1 is on the minus strand). VCF-style: chr14-95130086-A-C. GRCh37 (hg19) VCF-style: chr14-95596423-A-C.
Other names: c.-20-3T>G (NM_001395691.1); c.140T>G, p.Leu47Arg (NM_001395690.1, NM_001395696.1, NM_001395698.1 and 3 more transcripts); c.545T>G, p.Leu182Arg (NM_001395692.1, NM_001395693.1, NM_001395694.1 and 14 more transcripts); c.-1024T>G (NM_001395697.1); c.263T>G, p.Leu88Arg (NM_001395686.1); short protein forms L47R, L88R, L182R.
Identifiers: ClinVar variation 4746793 (VCV004746793.1).

ClinVar aggregate classification (germline): Uncertain significance (1 of 4 stars; one submission).

Conditions:
DICER1-related tumor predisposition. Also called: DICER1-related pleuropulmonary blastoma cancer predisposition syndrome; DICER1 syndrome. Identifiers: Orphanet 284343, MedGen C3839822, MONDO:0100216.

Submission:

Labcorp Genetics (formerly Invitae), Labcorp
Classification: Uncertain significance for DICER1-related tumor predisposition. Last evaluated: 2025-03-31. Review status: criteria provided, single submitter. Criteria: Invitae Variant Classification Sherloc (09022015). Collection method: clinical testing. Allele origin: germline.
Comment: This sequence change replaces leucine, which is neutral and non-polar, with arginine, which is basic and polar, at codon 182 of the DICER1 protein (p.Leu182Arg). This variant is not present in population databases (gnomAD no frequency). This variant has not been reported in the literature in individuals affected with DICER1-related conditions. Invitae Evidence Modeling of protein sequence and biophysical properties (such as structural, functional, and spatial information, amino acid conservation, physicochemical variation, residue mobility, and thermodynamic stability) indicates that this missense variant is not expected to disrupt DICER1 protein function with a negative predictive value of 95%. In summary, the available evidence is currently insufficient to determine the role of this variant in disease. Therefore, it has been classified as a Variant of Uncertain Significance.